The following is an entry in ClinVar:

ClinVar aggregate classification (germline): Conflicting classifications of pathogenicity. Review status: criteria provided, conflicting classifications (1 of 4 stars). 3 submissions from 3 submitters: Uncertain significance (2); Likely benign (1). Last evaluated 2024-10-09.

Conditions:
Hereditary cancer-predisposing syndrome. Also called: Neoplastic Syndromes, Hereditary; Tumor predisposition; Hereditary Cancer Syndrome; Hereditary neoplastic syndrome. Identifiers: Orphanet 140162, MedGen C0027672, MeSH D009386, MONDO:0015356.

Allele frequency attached by ClinVar (database versions not stated): gnomAD exomes below 0.00001; ExAC 0.00001.
gnomAD v4.1: 1 of 1,614,012 alleles (0.000062%); highest among the groups gnomAD compares: South Asian, 0.0011%; no homozygotes.

Submissions (3):

Ambry Genetics
Classification: Uncertain significance for Hereditary cancer-predisposing syndrome. Last evaluated: 2024-10-09. Review status: criteria provided, single submitter. Criteria: Ambry Variant Classification Scheme 2023. Collection method: clinical testing. Allele origin: germline.
Comment: The p.D1575Y variant (also known as c.4723G>T), located in coding exon 10 of the BRCA2 gene, results from a G to T substitution at nucleotide position 4723. The aspartic acid at codon 1575 is replaced by tyrosine, an amino acid with highly dissimilar properties. This amino acid position is poorly conserved in available vertebrate species. In addition, this alteration is predicted to be tolerated by in silico analysis. Based on the available evidence, the clinical significance of this variant remains unclear.

University of Washington Department of Laboratory Medicine, University of Washington
Classification: Likely benign for Hereditary cancer-predisposing syndrome. Last evaluated: 2023-03-23. Review status: criteria provided, single submitter. Criteria: Dines et al. (Genet Med. 2020). Collection method: curation. Allele origin: germline.
Comment: Missense variant in a coldspot region where missense variants are very unlikely to be pathogenic (PMID:31911673).

BRCA2 exon 11 coldspot. Reclassification based on statistical prior probability.

Color Diagnostics, LLC DBA Color Health
Classification: Uncertain significance for Hereditary cancer-predisposing syndrome. Last evaluated: 2019-06-11. Review status: criteria provided, single submitter. Criteria: ACMG Guidelines, 2015. Collection method: clinical testing. Allele origin: germline.

NM_000059.4(BRCA2):c.4723G>T (p.Asp1575Tyr)

Gene: BRCA2 (BRCA2 DNA repair associated; plus strand). Cytogenetic location: 13q13.1.
Variant type: single nucleotide variant.
Coding change: c.4723G>T on transcript NM_000059.4 (MANE Select); coding-DNA position 4723, G replaced by T.
Protein change: p.Asp1575Tyr; replaces aspartic acid 1575 with tyrosine.
Molecular consequence: missense variant.
Genome position (GRCh38, 1-based): chr13:32,339,078, G>T. VCF-style: chr13-32339078-G-T. GRCh37 (hg19) VCF-style: chr13-32913215-G-T.
Other names: short protein forms D1575Y.
Identifiers: ClinVar variation 923394 (VCV000923394.5), dbSNP rs587782013, ClinGen allele CA6940807.